The following is an entry in ClinVar:

ClinVar aggregate classification (germline): Uncertain significance. Review status: criteria provided, multiple submitters, no conflicts (2 of 4 stars). 2 submissions from 2 submitters: Uncertain significance (2). Last evaluated 2025-11-20.

Conditions:
Frontotemporal dementia (FTD1). Also called: MULTIPLE SYSTEM TAUOPATHY WITH PRESENILE DEMENTIA; WILHELMSEN-LYNCH DISEASE; FRONTOTEMPORAL LOBAR DEGENERATION WITH TAU INCLUSIONS; FTLD WITH TAU INCLUSIONS; Dementia, frontotemporal, with or without parkinsonism; FRONTOTEMPORAL DEMENTIA WITH PARKINSONISM. Identifiers: Orphanet 282, MedGen C0338451, MONDO:0017276, OMIM 600274, HP:0002145.
Pick disease. Also called: PICK DISEASE OF BRAIN; LOBAR ATROPHY OF BRAIN; Pick's disease; DEMENTIA WITH LOBAR ATROPHY AND NEURONAL CYTOPLASMIC INCLUSIONS; Pick Disease of the Brain. Identifiers: Orphanet 282, MedGen C0236642, MONDO:0008243, OMIM 172700.
Parkinson disease, late-onset (PD). Also called: Susceptibility to Parkinson's Disease; Hereditary late onset Parkinson disease; PARKINSON DISEASE, LATE-ONSET, SUSCEPTIBILITY TO. Identifiers: Orphanet 411602, MedGen C3160718, MONDO:0008199, OMIM 168600.
Progressive supranuclear palsy-parkinsonism syndrome. Also called: PARKINSON-DEMENTIA SYNDROME; Supranuclear palsy, progressive, 1, atypical; Progressive supranuclear palsy atypical; Atypical PSP. Identifiers: Orphanet 240085, Orphanet 683, Orphanet 99750, MedGen C1850077, MONDO:0009839, OMIM 260540.
Supranuclear palsy, progressive, 1 (PSNP1). Also called: STEELE-RICHARDSON-OLSZEWSKI SYNDROME. Identifiers: Orphanet 240071, MedGen C4551863, MONDO:0010997, OMIM 601104.

Allele frequency attached by ClinVar (database versions not stated): gnomAD exomes 0.00001 and 0.00002; ExAC 0.00003; gnomAD 0.00003 and 0.00004; TOPMed 0.00004.
gnomAD v4.1: 18 of 1,613,068 alleles (0.0011%); highest among the groups gnomAD compares: African/African-American, 0.0093%; no homozygotes.

Submissions (2):

Labcorp Genetics (formerly Invitae), Labcorp
Classification: Uncertain significance for Frontotemporal dementia. Last evaluated: 2025-11-20. Review status: criteria provided, single submitter. Criteria: Invitae Variant Classification Sherloc (09022015). Collection method: clinical testing. Allele origin: germline.
Comment: This sequence change replaces arginine, which is basic and polar, with cysteine, which is neutral and slightly polar, at codon 211 of the MAPT protein (p.Arg211Cys). This variant is present in population databases (rs770274373, gnomAD 0.01%). This variant has not been reported in the literature in individuals affected with MAPT-related conditions. ClinVar contains an entry for this variant (Variation ID: 1417517). Invitae Evidence Modeling of protein sequence and biophysical properties (such as structural, functional, and spatial information, amino acid conservation, physicochemical variation, residue mobility, and thermodynamic stability) has been performed for this missense variant. However, the output from this modeling did not meet the statistical confidence thresholds required to predict the impact of this variant on MAPT protein function. In summary, the available evidence is currently insufficient to determine the role of this variant in disease. Therefore, it has been classified as a Variant of Uncertain Significance.

Fulgent Genetics
Classification: Uncertain significance for Parkinson disease, late-onset; Pick disease; Progressive supranuclear palsy-parkinsonism syndrome; Frontotemporal dementia; Supranuclear palsy, progressive, 1. Last evaluated: 2021-09-01. Review status: criteria provided, single submitter. Criteria: ACMG Guidelines, 2015. Collection method: clinical testing. Allele origin: unknown.

NM_001377265.1(MAPT):c.1807C>T (p.Arg603Cys)

Gene: MAPT (microtubule associated protein tau). Cytogenetic location: 17q21.31.
Variant type: single nucleotide variant.
Coding change: c.1807C>T on transcript NM_001377265.1 (MANE Select); coding-DNA position 1807, C replaced by T.
Protein change: p.Arg603Cys; replaces arginine 603 with cysteine.
Molecular consequence: missense variant.
Genome position (GRCh38, 1-based): chr17:45,996,473, C>T. VCF-style: chr17-45996473-C-T. GRCh37 (hg19) VCF-style: chr17-44073839-C-T.
Other names: c.1636C>T, p.Arg546Cys (NM_001123066.4); c.544C>T, p.Arg182Cys (NM_001123067.4, NM_001203251.2, NM_001377267.1); c.631C>T, p.Arg211Cys (NM_001203252.2, NM_005910.6); c.1609C>T, p.Arg537Cys (NM_001377266.1); c.457C>T, p.Arg153Cys (NM_001377268.1, NM_016834.5, NM_016841.5); c.1582C>T, p.Arg528Cys (NM_016835.5); short protein forms R546C, R153C, R182C, R211C, R537C, R603C, R528C.
Identifiers: ClinVar variation 1417517 (VCV001417517.9), dbSNP rs770274373, ClinGen allele CA8618038.
Genomic context (GRCh38, chr17:45,996,473, plus strand): 5'-TCAGGGGATCGCAGCGGCTACAGCAGCCCCGGCTCCCCAGGCACTCCCGGCAGCCGCTCC[C>T]GCACCCCGTCCCTTCCAACCCCACCCACCCGGGAGCCCAAGAAGGTGGCAGTGGTCCGTA-3'
Protein context (NP_001364194.1, residues 593-613): GSPGTPGSRS[Arg603Cys]TPSLPTPPTR